The following is an entry in ClinVar:

ClinVar aggregate classification (germline): Likely benign. Review status: criteria provided, multiple submitters, no conflicts (2 of 4 stars). 5 submissions from 5 submitters: Likely benign (5). Last evaluated 2024-09-11.

Allele frequency attached by ClinVar (database versions not stated): gnomAD 0.00003; gnomAD exomes 0.00003 and 0.00010; ExAC 0.00005; TOPMed 0.00006.
gnomAD v4.1: 66 of 1,613,154 alleles (0.0041%); highest among the groups gnomAD compares: Middle Eastern, 0.049%; no homozygotes.

Submissions (5):

Labcorp Genetics (formerly Invitae), Labcorp
Classification: Likely benign. Last evaluated: 2024-09-11. Review status: criteria provided, single submitter. Criteria: Invitae Variant Classification Sherloc (09022015). Collection method: clinical testing. Allele origin: germline.

Blueprint Genetics
Classification: Likely benign. Last evaluated: 2024-09-07. Review status: criteria provided, single submitter. Criteria: ACMG Guidelines, 2015. Collection method: clinical testing. Allele origin: germline.

CeGaT Center for Human Genetics Tuebingen
Classification: Likely benign. Last evaluated: 2023-03-01. Review status: criteria provided, single submitter. Criteria: CeGaT Center For Human Genetics Tuebingen Variant Classification Criteria Version 2. Collection method: clinical testing. Allele origin: germline. Affected: yes. Observed: 1 variant allele.
Comment: SETD5: BP4, BP7

GeneDx
Classification: Likely benign. Last evaluated: 2021-05-05. Review status: criteria provided, single submitter. Criteria: GeneDx Variant Classification Process June 2021. Collection method: clinical testing. Allele origin: germline. Affected: yes.

Breakthrough Genomics
Classification: Likely benign. Review status: criteria provided, single submitter. Criteria: ACMG Guidelines, 2015. Collection method: not provided. Allele origin: germline. Inheritance: Autosomal dominant inheritance. Affected: yes.

NM_001080517.3(SETD5):c.627G>A (p.Arg209=)

Gene: SETD5 (SET domain containing 5; plus strand). Cytogenetic location: 3p25.3.
Variant type: single nucleotide variant.
Coding change: c.627G>A on transcript NM_001080517.3 (MANE Select); coding-DNA position 627, G replaced by A.
Protein change: p.Arg209=; no amino-acid change (arginine 209 retained).
Molecular consequence: synonymous variant.
Genome position (GRCh38, 1-based): chr3:9,440,515, G>A. VCF-style: chr3-9440515-G-A. GRCh37 (hg19) VCF-style: chr3-9482199-G-A.
Other names: c.333G>A, p.Arg111= (NM_001292043.2, NM_001349451.2).
Identifiers: ClinVar variation 1320531 (VCV001320531.35), dbSNP rs767899702, ClinGen allele CA2238988.